The following is an entry in ClinVar:

NM_005560.6(LAMA5):c.2919G>A (p.Thr973=)

Gene: LAMA5 (laminin subunit alpha 5; minus strand). Cytogenetic location: 20q13.33.
Variant type: single nucleotide variant.
Coding change: c.2919G>A on transcript NM_005560.6 (MANE Select); coding-DNA position 2919, G replaced by A.
Protein change: p.Thr973=; no amino-acid change (threonine 973 retained).
Molecular consequence: synonymous variant.
Genome position (GRCh38, 1-based): chr20:62,333,666, C>T on the plus strand (G>A on the coding strand, the complement: LAMA5 is on the minus strand). VCF-style: chr20-62333666-C-T. GRCh37 (hg19) VCF-style: chr20-60908722-C-T.
Identifiers: ClinVar variation 787501 (VCV000787501.9), dbSNP rs147701856, ClinGen allele CA9943256.

ClinVar aggregate classification (germline): Benign. Review status: criteria provided, single submitter (1 of 4 stars). 2 submissions from 2 submitters: Benign (1). 1 of the submissions does not count toward it. Last evaluated 2025-10-13.

Conditions:
LAMA5-related disorder. Also called: LAMA5-Related Disorders; LAMA5-related condition.

Allele frequency attached by ClinVar (database versions not stated): gnomAD exomes 0.00018; 1000 Genomes Project 30x 0.00031; 1000 Genomes Project 0.00040; gnomAD 0.00052 and 0.00058; ExAC 0.00059; TOPMed 0.00068; ESP Exome Variant Server 0.00069.
gnomAD v4.1: 178 of 1,594,940 alleles (0.011%); highest among the groups gnomAD compares: African/African-American, 0.2%; 1 homozygote.

Submissions (2):

Labcorp Genetics (formerly Invitae), Labcorp
Classification: Benign. Last evaluated: 2025-10-13. Review status: criteria provided, single submitter. Criteria: Invitae Variant Classification Sherloc (09022015). Collection method: clinical testing. Allele origin: germline.

PreventionGenetics, part of Exact Sciences
Classification: Likely benign for LAMA5-related condition. Last evaluated: 2023-11-30. Review status: no assertion criteria provided. Collection method: clinical testing. Allele origin: germline. Not counted in ClinVar's aggregate classification.
Comment: This variant is classified as likely benign based on ACMG/AMP sequence variant interpretation guidelines (Richards et al. 2015 PMID: 25741868, with internal and published modifications).